The following is an entry in ClinVar:

ClinVar aggregate classification (germline): Uncertain significance (1 of 4 stars; one submission).

Conditions:
Carney complex, type 1 (CNC1). Also called: CARNEY MYXOMA-ENDOCRINE COMPLEX; CARNEY COMPLEX, TYPE I. Identifiers: Orphanet 1359, MedGen C2607929, MONDO:0008057, OMIM 160980.

Submission:

Labcorp Genetics (formerly Invitae), Labcorp
Classification: Uncertain significance for Carney complex, type 1. Last evaluated: 2025-06-04. Review status: criteria provided, single submitter. Criteria: Invitae Variant Classification Sherloc (09022015). Collection method: clinical testing. Allele origin: germline.
Comment: This sequence change replaces isoleucine, which is neutral and non-polar, with valine, which is neutral and non-polar, at codon 159 of the PRKAR1A protein (p.Ile159Val). This variant is not present in population databases (gnomAD no frequency). This variant has not been reported in the literature in individuals affected with PRKAR1A-related conditions. Invitae Evidence Modeling of protein sequence and biophysical properties (such as structural, functional, and spatial information, amino acid conservation, physicochemical variation, residue mobility, and thermodynamic stability) indicates that this missense variant is not expected to disrupt PRKAR1A protein function with a negative predictive value of 95%. In summary, the available evidence is currently insufficient to determine the role of this variant in disease. Therefore, it has been classified as a Variant of Uncertain Significance.

NM_002734.5(PRKAR1A):c.475A>G (p.Ile159Val)

Gene: PRKAR1A (protein kinase cAMP-dependent type I regulatory subunit alpha; plus strand). Cytogenetic location: 17q24.2.
Variant type: single nucleotide variant.
Coding change: c.475A>G on transcript NM_002734.5 (MANE Select); coding-DNA position 475, A replaced by G.
Protein change: p.Ile159Val; replaces isoleucine 159 with valine.
Molecular consequence: missense variant.
Genome position (GRCh38, 1-based): chr17:68,524,050, A>G. VCF-style: chr17-68524050-A-G. GRCh37 (hg19) VCF-style: chr17-66520191-A-G.
Other names: c.475A>G, p.Ile159Val (NM_212471.3, NM_212472.2, NM_001276289.2 and 4 more transcripts); short protein forms I159V.
Identifiers: ClinVar variation 4772901 (VCV004772901.1).
Genomic context (GRCh38, chr17:68,524,050, plus strand): 5'-AACACGAGGCCTTCTCTCTTTTGCAGTGATATTTTTGATGCCATGTTTTCGGTCTCCTTT[A>G]TCGCAGGAGAGACTGTGATTCAGCAAGGTAAGGGCCTCTGGAGCATGCAATATTGTTACG-3'
Protein context (NP_002725.1, residues 149-169): IFDAMFSVSF[Ile159Val]AGETVIQQGD